The following is an entry in ClinVar:

ClinVar aggregate classification (germline): Uncertain significance (1 of 4 stars; one submission).

Conditions:
Hypertrophic cardiomyopathy. Also called: HYPERTROPHIC MYOCARDIOPATHY. Identifiers: Orphanet 217569, MedGen C0007194, MeSH D002312, MONDO:0005045, HP:0001639.

Submission:

Labcorp Genetics (formerly Invitae), Labcorp
Classification: Uncertain significance for Hypertrophic cardiomyopathy. Last evaluated: 2021-10-21. Review status: criteria provided, single submitter. Criteria: Invitae Variant Classification Sherloc (09022015). Collection method: clinical testing. Allele origin: germline.
Comment: This variant has not been reported in the literature in individuals affected with MYH7-related conditions. This sequence change replaces glutamine with histidine at codon 1103 of the MYH7 protein (p.Gln1103His). The glutamine residue is highly conserved and there is a small physicochemical difference between glutamine and histidine. This variant is not present in population databases (ExAC no frequency). Algorithms developed to predict the effect of missense changes on protein structure and function are either unavailable or do not agree on the potential impact of this missense change (SIFT: "Deleterious"; PolyPhen-2: "Probably Damaging"; Align-GVGD: "Class C0"). In summary, the available evidence is currently insufficient to determine the role of this variant in disease. Therefore, it has been classified as a Variant of Uncertain Significance.

NM_000257.4(MYH7):c.3309G>C (p.Gln1103His)

Gene: MYH7 (myosin heavy chain 7; minus strand). Cytogenetic location: 14q11.2.
Variant type: single nucleotide variant.
Coding change: c.3309G>C on transcript NM_000257.4 (MANE Select); coding-DNA position 3309, G replaced by C.
Protein change: p.Gln1103His; replaces glutamine 1103 with histidine.
Molecular consequence: missense variant.
Genome position (GRCh38, 1-based): chr14:23,420,985, C>G on the plus strand (G>C on the coding strand, the complement: MYH7 is on the minus strand). VCF-style: chr14-23420985-C-G. GRCh37 (hg19) VCF-style: chr14-23890194-C-G.
Other names: short protein forms Q1103H.
Identifiers: ClinVar variation 1361237 (VCV001361237.6), dbSNP rs2138656185, ClinGen allele CA389044380.